The following is an entry in ClinVar:

NM_001164508.2(NEB):c.3649A>T (p.Lys1217Ter)

Gene: NEB (nebulin; minus strand). Cytogenetic location: 2q23.3.
Variant type: single nucleotide variant.
Coding change: c.3649A>T on transcript NM_001164508.2 (MANE Select); coding-DNA position 3649, A replaced by T.
Protein change: p.Lys1217Ter; replaces lysine 1217 with a stop codon.
Molecular consequence: nonsense.
Genome position (GRCh38, 1-based): chr2:151,677,690, T>A on the plus strand (A>T on the coding strand, the complement: NEB is on the minus strand). VCF-style: chr2-151677690-T-A. GRCh37 (hg19) VCF-style: chr2-152534204-T-A.
Other names: c.3649A>T, p.Lys1217Ter (NM_001271208.2, NM_004543.5, NM_001164507.2); short protein forms K1217*.
Identifiers: ClinVar variation 2731685 (VCV002731685.3), dbSNP rs2552262537, ClinGen allele CA348818613.

ClinVar aggregate classification (germline): Pathogenic (1 of 4 stars; one submission).

Conditions:
Nemaline myopathy 2 (NEM2). Also called: Nemaline myopathy 2, autosomal recessive. Identifiers: MedGen C1850569, MONDO:0009725, OMIM 256030.

Submission:

Labcorp Genetics (formerly Invitae), Labcorp
Classification: Pathogenic for Nemaline myopathy 2. Last evaluated: 2023-06-28. Review status: criteria provided, single submitter. Criteria: Invitae Variant Classification Sherloc (09022015). Collection method: clinical testing. Allele origin: germline.
Comment: For these reasons, this variant has been classified as Pathogenic. This variant has not been reported in the literature in individuals affected with NEB-related conditions. This variant is not present in population databases (gnomAD no frequency). This sequence change creates a premature translational stop signal (p.Lys1217*) in the NEB gene. It is expected to result in an absent or disrupted protein product. Loss-of-function variants in NEB are known to be pathogenic (PMID: 25205138).

Literature cited by the submitters: PubMed 25205138.